The following is an entry in ClinVar:

NM_030962.4(SBF2):c.2699A>T (p.Glu900Val)

Genes: SBF2 (SET binding factor 2; minus strand), LOC101928008 (uncharacterized LOC101928008; plus strand). Cytogenetic location: 11p15.4.
Variant type: single nucleotide variant.
Coding change: c.2699A>T on transcript NM_030962.4 (MANE Select); coding-DNA position 2699, A replaced by T.
Protein change: p.Glu900Val; replaces glutamic acid 900 with valine.
Molecular consequence: missense variant.
Genome position (GRCh38, 1-based): chr11:9,850,130, T>A on the plus strand (A>T on the coding strand, the complement: SBF2 is on the minus strand). VCF-style: chr11-9850130-T-A. GRCh37 (hg19) VCF-style: chr11-9871677-T-A.
Other names: c.2699A>T, p.Glu900Val (NM_001386339.1); c.2570A>T, p.Glu857Val (NM_001386342.1); c.2735A>T, p.Glu912Val (NM_001424318.1); short protein forms E900V, E912V, E857V.
Identifiers: ClinVar variation 2615053 (VCV002615053.4), dbSNP rs1342382213, ClinGen allele CA379635573.
Genomic context (GRCh38, chr11:9,850,130, plus strand): 5'-AGGAACAAGGCTCCTTCTGCTGGCAGGAGCTGAGGGCCTCCAAGAAGACCTCCAGTAGCT[T>A]CTTCTCTTCCATCAGGATCCAGCAAGACTCGAAGACCCTCACAGACAATTTCTTCTCCTG-3'
Protein context (NP_112224.1, residues 890-910): RVLLDPDGRE[Glu900Val]ATGGLLGGPQ

ClinVar aggregate classification (germline): Uncertain significance. Review status: criteria provided, multiple submitters, no conflicts (2 of 4 stars). 2 submissions from 2 submitters: Uncertain significance (2). Last evaluated 2026-02-01.

Conditions:
Inborn genetic diseases. Identifiers: MedGen C0950123, MeSH D030342.
Charcot-Marie-Tooth disease type 4. Also called: Charcot-Marie-Tooth disease, type IV; Charcot-Marie-Tooth, Type 4. Identifiers: Orphanet 64749, MedGen C4082197, MONDO:0018995.

Allele frequency attached by ClinVar (database versions not stated): TOPMed below 0.00001; gnomAD exomes below 0.00001; gnomAD 0.00001.
gnomAD v4.1: 3 of 1,613,970 alleles (0.00019%); highest among the groups gnomAD compares: Non-Finnish European, 0.00025%; no homozygotes.

Submissions (2):

Labcorp Genetics (formerly Invitae), Labcorp
Classification: Uncertain significance for Charcot-Marie-Tooth disease type 4. Last evaluated: 2026-02-01. Review status: criteria provided, single submitter. Criteria: Invitae Variant Classification Sherloc (09022015). Collection method: clinical testing. Allele origin: germline.
Comment: This sequence change replaces glutamic acid, which is acidic and polar, with valine, which is neutral and non-polar, at codon 900 of the SBF2 protein (p.Glu900Val). This variant is not present in population databases (gnomAD no frequency). This variant has not been reported in the literature in individuals affected with SBF2-related conditions. ClinVar contains an entry for this variant (Variation ID: 2615053). Invitae Evidence Modeling of protein sequence and biophysical properties (such as structural, functional, and spatial information, amino acid conservation, physicochemical variation, residue mobility, and thermodynamic stability) has been performed for this missense variant. However, the output from this modeling did not meet the statistical confidence thresholds required to predict the impact of this variant on SBF2 protein function. In summary, the available evidence is currently insufficient to determine the role of this variant in disease. Therefore, it has been classified as a Variant of Uncertain Significance.

Ambry Genetics
Classification: Uncertain significance for Inborn genetic diseases. Last evaluated: 2023-08-01. Review status: criteria provided, single submitter. Criteria: Ambry Variant Classification Scheme 2023. Collection method: clinical testing. Allele origin: germline.